The following is an entry in ClinVar:

NM_001197104.2(KMT2A):c.167C>A (p.Ser56Tyr)

Gene: KMT2A (lysine methyltransferase 2A; plus strand). Cytogenetic location: 11q23.3.
Variant type: single nucleotide variant.
Coding change: c.167C>A on transcript NM_001197104.2 (MANE Select); coding-DNA position 167, C replaced by A.
Protein change: p.Ser56Tyr; replaces serine 56 with tyrosine.
Molecular consequence: missense variant.
Genome position (GRCh38, 1-based): chr11:118,436,679, C>A. VCF-style: chr11-118436679-C-A. GRCh37 (hg19) VCF-style: chr11-118307394-C-A.
Other names: c.167C>A, p.Ser56Tyr (NM_005933.4); short protein forms S56Y.
Identifiers: ClinVar variation 1031917 (VCV001031917.5), dbSNP rs1949187908, ClinGen allele CA382797392.

ClinVar aggregate classification (germline): Uncertain significance. Review status: criteria provided, multiple submitters, no conflicts (2 of 4 stars). 2 submissions from 2 submitters: Uncertain significance (2). Last evaluated 2025-05-18.

Conditions:
Wiedemann-Steiner syndrome (WDSTS). Also called: Growth deficiency and mental retardation with facial dysmorphism. Identifiers: Orphanet 319182, MedGen C1854630, MONDO:0011518, OMIM 605130.

gnomAD v4.1: 7 of 1,244,248 alleles (0.00056%); highest among the groups gnomAD compares: Non-Finnish European, 0.00071%; no homozygotes.

Submissions (2):

Labcorp Genetics (formerly Invitae), Labcorp
Classification: Uncertain significance. Last evaluated: 2025-05-18. Review status: criteria provided, single submitter. Criteria: Invitae Variant Classification Sherloc (09022015). Collection method: clinical testing. Allele origin: germline.
Comment: This sequence change replaces serine, which is neutral and polar, with tyrosine, which is neutral and polar, at codon 56 of the KMT2A protein (p.Ser56Tyr). This variant is not present in population databases (gnomAD no frequency). This variant has not been reported in the literature in individuals affected with KMT2A-related conditions. ClinVar contains an entry for this variant (Variation ID: 1031917). Invitae Evidence Modeling of protein sequence and biophysical properties (such as structural, functional, and spatial information, amino acid conservation, physicochemical variation, residue mobility, and thermodynamic stability) has been performed for this missense variant. However, the output from this modeling did not meet the statistical confidence thresholds required to predict the impact of this variant on KMT2A protein function. In summary, the available evidence is currently insufficient to determine the role of this variant in disease. Therefore, it has been classified as a Variant of Uncertain Significance.

Baylor Genetics
Classification: Uncertain significance for Wiedemann-Steiner syndrome. Last evaluated: 2018-05-08. Review status: criteria provided, single submitter. Criteria: ACMG Guidelines, 2015. Collection method: clinical testing. Allele origin: paternal. Affected: yes.
Comment: This variant was determined to be of uncertain significance according to ACMG Guidelines, 2015 [PMID:25741868].